The following is an entry in ClinVar:

ClinVar aggregate classification (germline): Uncertain significance (1 of 4 stars; one submission).

Conditions:
Catecholaminergic polymorphic ventricular tachycardia 1. Also called: VENTRICULAR TACHYCARDIA, CATECHOLAMINERGIC POLYMORPHIC, 1, WITH OR WITHOUT ATRIAL DYSFUNCTION AND/OR DILATED CARDIOMYOPATHY; RYR2-Related Catecholaminergic Polymorphic Ventricular Tachycardia; VENTRICULAR TACHYCARDIA, STRESS-INDUCED POLYMORPHIC 1. Identifiers: Orphanet 3286, MedGen C1631597, MONDO:0011484, OMIM 604772.

Submission:

Labcorp Genetics (formerly Invitae), Labcorp
Classification: Uncertain significance for Catecholaminergic polymorphic ventricular tachycardia 1. Last evaluated: 2022-02-08. Review status: criteria provided, single submitter. Criteria: Invitae Variant Classification Sherloc (09022015). Collection method: clinical testing. Allele origin: germline.
Comment: This sequence change replaces valine, which is neutral and non-polar, with threonine, which is neutral and polar, at codon 76 of the CASQ2 protein (p.Val76Thr). Information on the frequency of this variant in the gnomAD database is not available, as this variant may be reported differently in the database. This variant has not been reported in the literature in individuals affected with CASQ2-related conditions. Algorithms developed to predict the effect of missense changes on protein structure and function are either unavailable or do not agree on the potential impact of this missense change (SIFT: "Not Available"; PolyPhen-2: "Possibly Damaging"; Align-GVGD: "Not Available"). In summary, the available evidence is currently insufficient to determine the role of this variant in disease. Therefore, it has been classified as a Variant of Uncertain Significance.

NM_001232.4(CASQ2):c.226_227inv (p.Val76Thr)

Gene: CASQ2 (calsequestrin 2; minus strand). Cytogenetic location: 1p13.1.
Variant type: Inversion.
Coding change: c.226_227inv on transcript NM_001232.4 (MANE Select).
Protein change: p.Val76Thr; replaces valine 76 with threonine.
Molecular consequence: missense variant.
Genome position: GRCh38 VCF-style: chr1-115768315-AC-GT. GRCh37 (hg19) VCF-style: chr1-116310936-AC-GT.
Other names: short protein forms V76T.
Identifiers: ClinVar variation 2040385 (VCV002040385.1), ClinGen allele CA2580060842.
Genomic context (GRCh38, chr1:115,768,315, plus strand): 5'-TCCCTCGGCACCTCACTGAGGCAGCGCAGACAGCATGCCCTTTGGTTACTTACCTCAAGC[AC>GT]GATTTCTTTCAGTTGGAACTGTTTTTGCGTGACCTTATCTGAAGACACCGGCTCATGGTA-3'
Protein context (NP_001223.2, residues 66-86): TQKQFQLKEI[Val76Thr]LELVAQVLEH